The following is an entry in ClinVar:

ClinVar aggregate classification (germline): Conflicting classifications of pathogenicity. Review status: criteria provided, conflicting classifications (1 of 4 stars). 3 submissions from 3 submitters: Uncertain significance (1); Likely benign (2). Last evaluated 2024-07-10.

Conditions:
Hereditary cancer-predisposing syndrome. Also called: Neoplastic Syndromes, Hereditary; Hereditary Cancer Syndrome; Tumor predisposition; Hereditary neoplastic syndrome. Identifiers: Orphanet 140162, MedGen C0027672, MeSH D009386, MONDO:0015356.
Multiple endocrine neoplasia, type 2 (MEN2). Identifiers: Orphanet 653, MedGen C4048306, MONDO:0019003. Disease mechanism: gain of function.

Allele frequency attached by ClinVar (database versions not stated): gnomAD below 0.00001 and 0.00001.
gnomAD v4.1: 8 of 1,613,944 alleles (0.0005%); highest among the groups gnomAD compares: South Asian, 0.0044%; no homozygotes.

Submissions (3):

Ambry Genetics
Classification: Uncertain significance for Hereditary cancer-predisposing syndrome. Last evaluated: 2024-07-10. Review status: criteria provided, single submitter. Criteria: Ambry Variant Classification Scheme 2023. Collection method: clinical testing. Allele origin: germline.
Comment: The c.1677T>C variant (also known as p.S559S), located in coding exon 9 of the RET gene, results from a T to C substitution at nucleotide position 1677. This nucleotide substitution does not change the serine at codon 559. This nucleotide position is poorly conserved in available vertebrate species. In silico splice site analysis for this alteration is inconclusive. Based on the available evidence, the clinical significance of this variant remains unclear.

Labcorp Genetics (formerly Invitae), Labcorp
Classification: Likely benign for Multiple endocrine neoplasia, type 2. Last evaluated: 2024-01-02. Review status: criteria provided, single submitter. Criteria: Invitae Variant Classification Sherloc (09022015). Collection method: clinical testing. Allele origin: germline.

All of Us Research Program, National Institutes of Health
Classification: Likely benign for Multiple endocrine neoplasia, type 2. Last evaluated: 2023-07-10. Review status: criteria provided, single submitter. Criteria: ACMG Guidelines, 2015. Collection method: clinical testing. Allele origin: germline. Inheritance: Autosomal dominant inheritance. Observed: 2 variant alleles, 2 heterozygotes.
Comment: This study involves interpretation of variants in research participants for the purpose of population health screening. Participant phenotype was not available at the time of variant classification. Additional details can be found in publication PMID: 35346344, PMCID: PMC8962531

NM_020975.6(RET):c.1677T>C (p.Ser559=)

Gene: RET (ret proto-oncogene; plus strand). Cytogenetic location: 10q11.21.
Variant type: single nucleotide variant.
Coding change: c.1677T>C on transcript NM_020975.6 (MANE Select); coding-DNA position 1677, T replaced by C.
Protein change: p.Ser559=; no amino-acid change (serine 559 retained).
Molecular consequence: synonymous variant.
Genome position (GRCh38, 1-based): chr10:43,112,881, T>C. VCF-style: chr10-43112881-T-C. GRCh37 (hg19) VCF-style: chr10-43608329-T-C.
Other names: c.1677T>C, p.Ser559= (NM_000323.2, NM_001406743.1, NM_001406744.1 and 6 more transcripts); c.915T>C, p.Ser305= (NM_001355216.2); c.1548T>C, p.Ser516= (NM_001406761.1, NM_001406762.1, NM_001406764.1 and 1 more transcripts); c.1389T>C, p.Ser463= (NM_001406766.1, NM_001406767.1, NM_001406770.1); c.1281T>C, p.Ser427= (NM_001406769.1, NM_001406772.1); c.1239T>C, p.Ser413= (NM_001406771.1, NM_001406773.1); c.1152T>C, p.Ser384= (NM_001406774.1); c.951T>C, p.Ser317= (NM_001406775.1, NM_001406776.1, NM_001406777.1 and 1 more transcripts); and 5 more.
Identifiers: ClinVar variation 543770 (VCV000543770.17), dbSNP rs1554818698, ClinGen allele CA469027711.